The following is an entry in ClinVar:

NM_012186.3(FOXE3):c.754C>A (p.Pro252Thr)

Genes: FOXE3 (forkhead box E3; plus strand), LINC01389 (long independently transcribed non-coding RNA 1389; minus strand). Cytogenetic location: 1p33.
Variant type: single nucleotide variant.
Coding change: c.754C>A on transcript NM_012186.3 (MANE Select); coding-DNA position 754, C replaced by A.
Protein change: p.Pro252Thr; replaces proline 252 with threonine.
Molecular consequence: missense variant.
Genome position (GRCh38, 1-based): chr1:47,417,069, C>A. VCF-style: chr1-47417069-C-A. GRCh37 (hg19) VCF-style: chr1-47882741-C-A.
Other names: short protein forms P252T.
Identifiers: ClinVar variation 2132512 (VCV002132512.4), dbSNP rs1184092568, ClinGen allele CA340250653.

ClinVar aggregate classification (germline): Uncertain significance (1 of 4 stars; one submission).

Conditions:
Anterior segment dysgenesis. Also called: Ocular anterior segment dysgenesis. Identifiers: Orphanet 88632, MedGen C1862839, MONDO:0019503, HP:0007700.
Congenital primary aphakia. Also called: Anterior segment dysgenesis 2, multiple subtypes; ANTERIOR SEGMENT DYSGENESIS 2. Identifiers: Orphanet 83461, MedGen C1853230, MONDO:0012456, OMIM 610256.

Submission:

Labcorp Genetics (formerly Invitae), Labcorp
Classification: Uncertain significance for Anterior segment dysgenesis; Congenital primary aphakia. Last evaluated: 2022-05-01. Review status: criteria provided, single submitter. Criteria: Invitae Variant Classification Sherloc (09022015). Collection method: clinical testing. Allele origin: germline.
Comment: This variant is not present in population databases (gnomAD no frequency). This sequence change replaces proline, which is neutral and non-polar, with threonine, which is neutral and polar, at codon 252 of the FOXE3 protein (p.Pro252Thr). In summary, the available evidence is currently insufficient to determine the role of this variant in disease. Therefore, it has been classified as a Variant of Uncertain Significance. Algorithms developed to predict the effect of missense changes on protein structure and function are either unavailable or do not agree on the potential impact of this missense change (SIFT: "Deleterious"; PolyPhen-2: "Possibly Damaging"; Align-GVGD: "Class C0"). This variant has not been reported in the literature in individuals affected with FOXE3-related conditions.